The following is an entry in ClinVar:

NM_000321.3(RB1):c.726T>G (p.Ala242=)

Gene: RB1 (RB transcriptional corepressor 1; plus strand). Cytogenetic location: 13q14.2.
Variant type: single nucleotide variant.
Coding change: c.726T>G on transcript NM_000321.3 (MANE Select); coding-DNA position 726, T replaced by G.
Protein change: p.Ala242=; no amino-acid change (alanine 242 retained).
Molecular consequence: synonymous variant.
Genome position (GRCh38, 1-based): chr13:48,362,822, T>G. VCF-style: chr13-48362822-T-G. GRCh37 (hg19) VCF-style: chr13-48936958-T-G.
Other names: c.726T>G, p.Ala242= (NM_001407165.1, NM_001407166.1).
Identifiers: ClinVar variation 3073031 (VCV003073031.1), dbSNP rs2138112107, ClinGen allele CA483557826.

ClinVar aggregate classification (germline): Likely benign (1 of 4 stars; one submission).

Conditions:
Retinoblastoma (RB1). Also called: RETINOBLASTOMA, SOMATIC. Identifiers: Orphanet 790, MedGen C0035335, MeSH D012175, MONDO:0008380, OMIM 180200, HP:0009919. Disease mechanism: loss of function. Inheritance: Both sporadic and heritable forms are tested..

Submission:

All of Us Research Program, National Institutes of Health
Classification: Likely benign for Retinoblastoma. Last evaluated: 2023-08-15. Review status: criteria provided, single submitter. Criteria: ACMG Guidelines, 2015. Collection method: clinical testing. Allele origin: germline. Inheritance: Autosomal dominant inheritance. Observed: 1 variant allele, 1 heterozygote.
Comment: This study involves interpretation of variants in research participants for the purpose of population health screening. Participant phenotype was not available at the time of variant classification. Additional details can be found in publication PMID: 35346344, PMCID: PMC8962531